The following is an entry in ClinVar:

ClinVar aggregate classification (germline): Uncertain significance. Review status: criteria provided, multiple submitters, no conflicts (2 of 4 stars). 2 submissions from 2 submitters: Uncertain significance (2). Last evaluated 2025-06-09.

Conditions:
Hereditary cancer-predisposing syndrome. Also called: Tumor predisposition; Hereditary neoplastic syndrome; Neoplastic Syndromes, Hereditary; Hereditary Cancer Syndrome. Identifiers: Orphanet 140162, MedGen C0027672, MeSH D009386, MONDO:0015356.

Submissions (2):

Ambry Genetics
Classification: Uncertain significance for Hereditary cancer-predisposing syndrome. Last evaluated: 2025-06-09. Review status: criteria provided, single submitter. Criteria: Ambry Variant Classification Scheme 2023. Collection method: clinical testing. Allele origin: germline.
Comment: The p.M1769I variant (also known as c.5307G>C), located in coding exon 39 of the POLE gene, results from a G to C substitution at nucleotide position 5307. The methionine at codon 1769 is replaced by isoleucine, an amino acid with highly similar properties. This amino acid position is conserved. In addition, the in silico prediction for this alteration is inconclusive. Based on the available evidence, the clinical significance of this variant remains unclear.

Labcorp Genetics (formerly Invitae), Labcorp
Classification: Uncertain significance. Last evaluated: 2024-11-24. Review status: criteria provided, single submitter. Criteria: Invitae Variant Classification Sherloc (09022015). Collection method: clinical testing. Allele origin: germline.
Comment: This sequence change replaces methionine, which is neutral and non-polar, with isoleucine, which is neutral and non-polar, at codon 1769 of the POLE protein (p.Met1769Ile). This variant is not present in population databases (gnomAD no frequency). This variant has not been reported in the literature in individuals affected with POLE-related conditions. An algorithm developed to predict the effect of missense changes on protein structure and function (PolyPhen-2) suggests that this variant is likely to be tolerated. In summary, the available evidence is currently insufficient to determine the role of this variant in disease. Therefore, it has been classified as a Variant of Uncertain Significance.

NM_006231.4(POLE):c.5307G>C (p.Met1769Ile)

Gene: POLE (DNA polymerase epsilon, catalytic subunit; minus strand). Cytogenetic location: 12q24.33.
Variant type: single nucleotide variant.
Coding change: c.5307G>C on transcript NM_006231.4 (MANE Select); coding-DNA position 5307, G replaced by C.
Protein change: p.Met1769Ile; replaces methionine 1769 with isoleucine.
Molecular consequence: missense variant.
Genome position (GRCh38, 1-based): chr12:132,641,718, C>G on the plus strand (G>C on the coding strand, the complement: POLE is on the minus strand). VCF-style: chr12-132641718-C-G. GRCh37 (hg19) VCF-style: chr12-133218304-C-G.
Other names: c.5307G>C (NM_006231.2); short protein forms M1769I.
Identifiers: ClinVar variation 3626199 (VCV003626199.3).